The following is an entry in ClinVar:

NM_001122955.4(BSCL2):c.1234+4A>C

Genes: BSCL2 (BSCL2 lipid droplet biogenesis associated, seipin; minus strand), HNRNPUL2-BSCL2 (HNRNPUL2-BSCL2 readthrough (NMD candidate); minus strand). Cytogenetic location: 11q12.3.
Variant type: single nucleotide variant.
Coding change: c.1234+4A>C on transcript NM_001122955.4 (MANE Select); 4 bases into the intron after coding-DNA position 1234, A replaced by C.
Molecular consequence: intron variant.
Genome position (GRCh38, 1-based): chr11:62,690,608, T>G on the plus strand (A>C on the coding strand, the complement: BSCL2 is on the minus strand). VCF-style: chr11-62690608-T-G. GRCh37 (hg19) VCF-style: chr11-62458080-T-G.
Other names: c.*36+4A>C (NM_001130702.2); c.1042+4A>C (NM_032667.6); c.1234+4A>C (NM_001386028.1); c.1240+4A>C (NM_001386027.1).
Identifiers: ClinVar variation 2662203 (VCV002662203.1), dbSNP rs2539143525, ClinGen allele CA2695201140.

ClinVar aggregate classification (germline): Uncertain significance (1 of 4 stars; one submission).

Submission:

GeneDx
Classification: Uncertain significance. Last evaluated: 2023-05-08. Review status: criteria provided, single submitter. Criteria: GeneDx Variant Classification Process June 2021. Collection method: clinical testing. Allele origin: germline. Affected: yes.
Comment: Not observed at significant frequency in large population cohorts (gnomAD); In silico analysis supports a deleterious effect on splicing; Has not been previously published as pathogenic or benign to our knowledge